The following is an entry in ClinVar:

ClinVar aggregate classification (germline): Uncertain significance (1 of 4 stars; one submission).

gnomAD v4.1: 2 of 1,610,962 alleles (0.00012%); highest among the groups gnomAD compares: Middle Eastern, 0.017%; no homozygotes.

Submission:

GeneDx
Classification: Uncertain significance. Last evaluated: 2024-09-18. Review status: criteria provided, single submitter. Criteria: GeneDx Variant Classification Process June 2021. Collection method: clinical testing. Allele origin: germline. Affected: yes.
Comment: Not observed at significant frequency in large population cohorts (gnomAD); In silico analysis indicates that this missense variant does not alter protein structure/function; Has not been previously published as pathogenic or benign to our knowledge

NM_145691.4(ATPAF2):c.161G>C (p.Ser54Thr)

Gene: ATPAF2 (ATP synthase mitochondrial F1 complex assembly factor 2; minus strand). Cytogenetic location: 17p11.2.
Variant type: single nucleotide variant.
Coding change: c.161G>C on transcript NM_145691.4 (MANE Select); coding-DNA position 161, G replaced by C.
Protein change: p.Ser54Thr; replaces serine 54 with threonine.
Molecular consequence: missense variant.
Genome position (GRCh38, 1-based): chr17:18,028,632, C>G on the plus strand (G>C on the coding strand, the complement: ATPAF2 is on the minus strand). VCF-style: chr17-18028632-C-G. GRCh37 (hg19) VCF-style: chr17-17931946-C-G.
Other names: short protein forms S54T.
Identifiers: ClinVar variation 3773981 (VCV003773981.1).